The following is an entry in ClinVar:

NM_004006.3:c.(6438+1_6439-1)_(6614+1_6615-1)del

Gene: DMD (dystrophin; minus strand).
Variant type: Deletion.
Other names: c.(6438+1_6439-1)_(6614+1_6615-1)del (NM_004006.3).
Identifiers: ClinVar variation 2500346 (VCV002500346.1).

ClinVar aggregate classification (germline): Pathogenic (1 of 4 stars; one submission).

Conditions:
Dilated cardiomyopathy 3B (CMD3B). Also called: CMD3B: DMD-Related Dilated Cardiomyopathy; CARDIOMYOPATHY, DILATED, X-LINKED; DMD-Associated Dilated Cardiomyopathy. Identifiers: Orphanet 154, MedGen C3668940, MONDO:0010542, OMIM 302045.

Submission:

Institute of Human Genetics, University of Leipzig Medical Center
Classification: Pathogenic for Dilated cardiomyopathy 3B. Last evaluated: 2023-03-03. Review status: criteria provided, single submitter. Criteria: ACMG Guidelines, 2015. Collection method: clinical testing. Allele origin: maternal. Affected: yes.
Comment: _x000D_ Criteria applied: PVS1, PM2_SUP, PS4_SUP, PP4